The following is an entry in ClinVar:

Conditions:
Breast-ovarian cancer, familial, susceptibility to, 1 (BROVCA1). Also called: BRCA1 Hereditary Breast and Ovarian Cancer; OVARIAN CANCER, SUSCEPTIBILITY TO. Identifiers: Orphanet 145, MedGen C2676676, MONDO:0011450, OMIM 604370. Disease mechanism: loss of function.

Submission:

Brotman Baty Institute, University of Washington
No classification provided (evidence only). Condition: Breast-ovarian cancer, familial 1. Review status: no classification provided. Collection method: in vitro. Allele origin: not applicable. Functional consequence: functionally_normal.
ClinVar note: "not provided" was previously submitted as the classification for the variant. However, the classification appeared to be based only on an observation of functional data so it was converted to no classification on 2025-07-30.

NM_007294.4(BRCA1):c.4915T>A (p.Leu1639Met)

Gene: BRCA1 (BRCA1 DNA repair associated; minus strand). Cytogenetic location: 17q21.31.
Variant type: single nucleotide variant.
Coding change: c.4915T>A on transcript NM_007294.4 (MANE Select); coding-DNA position 4915, T replaced by A.
Protein change: p.Leu1639Met; replaces leucine 1639 with methionine.
Molecular consequence: missense variant. On other transcripts: non-coding transcript variant (1).
Genome position (GRCh38, 1-based): chr17:43,070,999, A>T on the plus strand (T>A on the coding strand, the complement: BRCA1 is on the minus strand). VCF-style: chr17-43070999-A-T. GRCh37 (hg19) VCF-style: chr17-41223016-A-T.
Other names: c.4702T>A, p.Leu1568Met (NM_001407571.1, NM_001407894.1, NM_001407895.1 and 12 more transcripts); c.4981T>A, p.Leu1661Met (NM_001407581.1, NM_001407582.1); c.4978T>A, p.Leu1660Met (NM_001407583.1, NM_001407585.1, NM_001407587.1 and 1 more transcripts); c.4975T>A, p.Leu1659Met (NM_001407590.1, NM_001407591.1); c.4915T>A, p.Leu1639Met (NM_001407593.1, NM_001407594.1, NM_001407596.1 and 8 more transcripts); c.4912T>A, p.Leu1638Met (NM_001407620.1, NM_001407621.1, NM_001407622.1 and 17 more transcripts); c.4909T>A, p.Leu1637Met (NM_001407627.1, NM_001407628.1, NM_001407639.1 and 14 more transcripts); c.4906T>A, p.Leu1636Met (NM_001407644.1, NM_001407645.1); and 70 more; short protein forms L1592M, L1660M, L535M, L1639M, L1342M, L1470M, L1526M, L1550M.
Identifiers: ClinVar variation 868846 (VCV000868846.3), dbSNP rs1213264226, ClinGen allele CA10591693.